The following is an entry in ClinVar:

ClinVar aggregate classification (germline): Uncertain significance (1 of 4 stars; one submission).

Submission:

Ambry Genetics
Classification: Uncertain significance. Last evaluated: 2025-10-25. Review status: criteria provided, single submitter. Criteria: Ambry Variant Classification Scheme 2023. Collection method: clinical testing. Allele origin: germline.
Comment: The p.S665I variant (also known as c.1994G>T), located in coding exon 8 of the WNK2 gene, results from a G to T substitution at nucleotide position 1994. The serine at codon 665 is replaced by isoleucine, an amino acid with dissimilar properties. This amino acid position is conserved. In addition, the in silico prediction for this alteration is inconclusive. Based on the available evidence, the clinical significance of this variant remains unclear.

NM_006648.4(WNK2):c.1994G>T (p.Ser665Ile)

Gene: WNK2 (WNK lysine deficient protein kinase 2; plus strand). Cytogenetic location: 9q22.31.
Variant type: single nucleotide variant.
Coding change: c.1994G>T on transcript NM_006648.4 (MANE Select); coding-DNA position 1994, G replaced by T.
Protein change: p.Ser665Ile; replaces serine 665 with isoleucine.
Molecular consequence: missense variant.
Genome position (GRCh38, 1-based): chr9:93,253,042, G>T. VCF-style: chr9-93253042-G-T. GRCh37 (hg19) VCF-style: chr9-96015324-G-T.
Other names: c.1994G>T, p.Ser665Ile (NM_001282394.3); short protein forms S665I.
Identifiers: ClinVar variation 4605299 (VCV004605299.1).
Genomic context (GRCh38, chr9:93,253,042, plus strand): 5'-CGTCCCCGGCCCAGTGTGTGTGCAGCCCCCCTGTGAGCGAGGGGCCCGTCCTGCCGCAGA[G>T]CCTGCCCTCGCTGGGGGCCTACCAGCAGCCCACGGCTGCAGTGAGTCAGAGCATCACTCC-3'
Protein context (NP_006639.3, residues 655-675): PVSEGPVLPQ[Ser665Ile]LPSLGAYQQP